The following is an entry in ClinVar:

NM_001003787.4(STRADA):c.950C>T (p.Ser317Leu)

Gene: STRADA (STE20 related adaptor alpha; minus strand). Cytogenetic location: 17q23.3.
Variant type: single nucleotide variant.
Coding change: c.950C>T on transcript NM_001003787.4 (MANE Select); coding-DNA position 950, C replaced by T.
Protein change: p.Ser317Leu; replaces serine 317 with leucine.
Molecular consequence: missense variant. On other transcripts: non-coding transcript variant (1).
Genome position (GRCh38, 1-based): chr17:63,704,491, G>A on the plus strand (C>T on the coding strand, the complement: STRADA is on the minus strand). VCF-style: chr17-63704491-G-A. GRCh37 (hg19) VCF-style: chr17-61781851-G-A.
Other names: c.839C>T, p.Ser280Leu (NM_001003786.3, NM_001363789.1, NM_153335.6); c.776C>T, p.Ser259Leu (NM_001003788.3, NM_001363790.1, NM_001363791.1); c.863C>T, p.Ser288Leu (NM_001165969.2, NM_001363787.1); c.818C>T, p.Ser273Leu (NM_001165970.2); c.926C>T, p.Ser309Leu (NM_001363786.1); c.950C>T, p.Ser317Leu (NM_001363788.1); short protein forms S280L, S288L, S259L, S273L, S309L, S317L.
Identifiers: ClinVar variation 937105 (VCV000937105.7), dbSNP rs1374148102, ClinGen allele CA400588052.

ClinVar aggregate classification (germline): Uncertain significance (1 of 4 stars; one submission).

Conditions:
Polyhydramnios, megalencephaly, and symptomatic epilepsy (PMSE). Also called: PMSE SYNDROME. Identifiers: Orphanet 500533, MedGen C1970203, MONDO:0012611, OMIM 611087.

Allele frequency attached by ClinVar (database versions not stated): gnomAD exomes below 0.00001 and 0.00001; TOPMed 0.00001.
gnomAD v4.1: 15 of 1,612,660 alleles (0.00093%); highest among the groups gnomAD compares: Non-Finnish European, 0.0011%; no homozygotes.

Submission:

Labcorp Genetics (formerly Invitae), Labcorp
Classification: Uncertain significance for Polyhydramnios, megalencephaly, and symptomatic epilepsy. Last evaluated: 2021-09-01. Review status: criteria provided, single submitter. Criteria: Invitae Variant Classification Sherloc (09022015). Collection method: clinical testing. Allele origin: germline.
Comment: This sequence change replaces serine with leucine at codon 317 of the STRADA protein (p.Ser317Leu). The serine residue is moderately conserved and there is a large physicochemical difference between serine and leucine. This variant is not present in population databases (ExAC no frequency). This variant has not been reported in the literature in individuals affected with STRADA-related conditions. Algorithms developed to predict the effect of missense changes on protein structure and function are either unavailable or do not agree on the potential impact of this missense change (SIFT: "Tolerated"; PolyPhen-2: "Probably Damaging"; Align-GVGD: "Class C0"). In summary, the available evidence is currently insufficient to determine the role of this variant in disease. Therefore, it has been classified as a Variant of Uncertain Significance.